The following is an entry in ClinVar:

ClinVar aggregate classification (germline): Uncertain significance. Review status: criteria provided, multiple submitters, no conflicts (2 of 4 stars). 8 submissions from 5 submitters: Uncertain significance (8). Last evaluated 2024-02-08.

Conditions:
Hypokalemic periodic paralysis, type 1. Also called: HypoPP; Hypokalemic Periodic Paralysis Type 1 (AD). Identifiers: Orphanet 681, MedGen C3714580, MONDO:0042979, OMIM 170400.
Malignant hyperthermia, susceptibility to, 5 (MHS5). Also called: CACNA1S-Related Malignant Hyperthermia Susceptibility. Identifiers: Orphanet 423, MedGen C1866077, MONDO:0011163, OMIM 601887.
Thyrotoxic periodic paralysis, susceptibility to, 1 (TTPP1). Identifiers: Orphanet 79102, MedGen C2749982, MONDO:0008570, OMIM 188580.
Congenital myopathy 18. Also called: Myopathy, congenital, due to dihydropyridine receptor defect; DIHYDROPYRIDINE RECEPTOR CONGENITAL MYOPATHY; DHPR CONGENITAL MYOPATHY. Identifiers: MedGen C5830283, MONDO:0859514, OMIM 620246.
Inborn genetic diseases. Identifiers: MedGen C0950123, MeSH D030342.

Allele frequency attached by ClinVar (database versions not stated): ExAC 0.00001.

Submissions (8):

Fulgent Genetics
Classification: Uncertain significance for Hypokalemic periodic paralysis, type 1; Thyrotoxic periodic paralysis, susceptibility to, 1; Malignant hyperthermia, susceptibility to, 5; Congenital myopathy 18. Last evaluated: 2024-02-08. Review status: criteria provided, single submitter. Criteria: ACMG Guidelines, 2015. Collection method: clinical testing. Allele origin: germline.

All of Us Research Program, National Institutes of Health
Classification: Uncertain significance for Malignant hyperthermia, susceptibility to, 5. Last evaluated: 2023-06-26. Review status: criteria provided, single submitter. Criteria: ACMG Guidelines, 2015. Collection method: clinical testing. Allele origin: germline. Inheritance: Autosomal dominant inheritance. Observed: 1 variant allele, 1 heterozygote.
Comment: This missense variant replaces arginine with tryptophan at codon 1447 of the CACNA1S protein. Computational prediction suggests that this variant may not impact protein structure and function (internally defined REVEL score threshold <= 0.5, PMID: 27666373). To our knowledge, functional studies have not been reported for this variant. This variant has not been reported in individuals affected with CACNA1S-related disorders in the literature. This variant has been identified in 2/249870 chromosomes in the general population by the Genome Aggregation Database (gnomAD). The available evidence is insufficient to determine the role of this variant in disease conclusively. Therefore, this variant is classified as a Variant of Uncertain Significance.

This study involves interpretation of variants in research participants for the purpose of population health screening. Participant phenotype was not available at the time of variant classification. Additional details can be found in publication PMID: 35346344, PMCID: PMC8962531

Genome-Nilou Lab
Classification: Uncertain significance for Malignant hyperthermia, susceptibility to, 5. Last evaluated: 2023-04-11. Review status: criteria provided, single submitter. Criteria: ACMG Guidelines, 2015. Collection method: clinical testing. Allele origin: germline. Affected: no.

Genome-Nilou Lab
Classification: Uncertain significance for Thyrotoxic periodic paralysis, susceptibility to, 1. Last evaluated: 2023-04-11. Review status: criteria provided, single submitter. Criteria: ACMG Guidelines, 2015. Collection method: clinical testing. Allele origin: germline. Affected: no.

Genome-Nilou Lab
Classification: Uncertain significance for Congenital myopathy 18. Last evaluated: 2023-04-11. Review status: criteria provided, single submitter. Criteria: ACMG Guidelines, 2015. Collection method: clinical testing. Allele origin: germline. Affected: no.

Genome-Nilou Lab
Classification: Uncertain significance for Hypokalemic periodic paralysis, type 1. Last evaluated: 2023-04-11. Review status: criteria provided, single submitter. Criteria: ACMG Guidelines, 2015. Collection method: clinical testing. Allele origin: germline. Affected: no.

Ambry Genetics
Classification: Uncertain significance for Inborn genetic diseases. Last evaluated: 2022-12-13. Review status: criteria provided, single submitter. Criteria: Ambry Variant Classification Scheme 2023. Collection method: clinical testing. Allele origin: germline.

Labcorp Genetics (formerly Invitae), Labcorp
Classification: Uncertain significance for Hypokalemic periodic paralysis, type 1; Malignant hyperthermia, susceptibility to, 5. Last evaluated: 2022-11-29. Review status: criteria provided, single submitter. Criteria: Invitae Variant Classification Sherloc (09022015). Collection method: clinical testing. Allele origin: germline.
Comment: In summary, the available evidence is currently insufficient to determine the role of this variant in disease. Therefore, it has been classified as a Variant of Uncertain Significance. Algorithms developed to predict the effect of missense changes on protein structure and function are either unavailable or do not agree on the potential impact of this missense change (SIFT: "Deleterious"; PolyPhen-2: "Probably Damaging"; Align-GVGD: "Class C0"). This variant has not been reported in the literature in individuals affected with CACNA1S-related conditions. This variant is present in population databases (rs758909185, gnomAD 0.006%). This sequence change replaces arginine, which is basic and polar, with tryptophan, which is neutral and slightly polar, at codon 1447 of the CACNA1S protein (p.Arg1447Trp).

NM_000069.3(CACNA1S):c.4339C>T (p.Arg1447Trp)

Gene: CACNA1S (calcium voltage-gated channel subunit alpha1 S; minus strand). Cytogenetic location: 1q32.1.
Variant type: single nucleotide variant.
Coding change: c.4339C>T on transcript NM_000069.3 (MANE Select); coding-DNA position 4339, C replaced by T.
Protein change: p.Arg1447Trp; replaces arginine 1447 with tryptophan.
Molecular consequence: missense variant.
Genome position (GRCh38, 1-based): chr1:201,048,684, G>A on the plus strand (C>T on the coding strand, the complement: CACNA1S is on the minus strand). VCF-style: chr1-201048684-G-A. GRCh37 (hg19) VCF-style: chr1-201017812-G-A.
Other names: c.4339C>T (NM_000069.2); short protein forms R1447W.
Identifiers: ClinVar variation 2141841 (VCV002141841.8), dbSNP rs758909185, ClinGen allele CA083249.